The following is an entry in ClinVar:

NM_004211.5(SLC6A5):c.1181_1182delinsAA (p.Trp394Ter)

Gene: SLC6A5 (solute carrier family 6 member 5; plus strand). Cytogenetic location: 11p15.1.
Variant type: Indel.
Coding change: c.1181_1182delinsAA on transcript NM_004211.5 (MANE Select); coding-DNA positions 1181 to 1182, GG replaced by AA.
Protein change: p.Trp394Ter; replaces tryptophan 394 with a stop codon.
Molecular consequence: nonsense.
Genome position (GRCh38, 1-based): chr11:20,617,805-20,617,806, GG replaced by AA. VCF-style: chr11-20617805-GG-AA. GRCh37 (hg19) VCF-style: chr11-20639351-GG-AA.
Other names: c.479_480delinsAA, p.Trp160Ter (NM_001318369.2); short protein forms W160*, W394*.
Identifiers: ClinVar variation 4806126 (VCV004806126.1).

ClinVar aggregate classification (germline): Pathogenic/Likely pathogenic. Review status: criteria provided, multiple submitters, no conflicts (2 of 4 stars). 2 submissions from 2 submitters: Pathogenic (1); Likely pathogenic (1). Last evaluated 2025-11-06.

Conditions:
Hyperekplexia 3 (HKPX3). Also called: HYPEREKPLEXIA 3, AUTOSOMAL RECESSIVE; HYPEREKPLEXIA 3, AUTOSOMAL DOMINANT. Identifiers: Orphanet 3197, MedGen C3553288, MONDO:0013827, OMIM 614618.

Submissions (2):

Variantyx, Inc.
Classification: Likely pathogenic for Hyperekplexia 3. Last evaluated: 2025-11-06. Review status: criteria provided, single submitter. Criteria: Variantyx Assertion Criteria 2022. Collection method: clinical testing. Allele origin: germline. Inheritance: Autosomal recessive inheritance. Affected: no.
Comment: This is a nonsense variant in the SLC6A5 gene (OMIM: 604159). Pathogenic variants in this gene have been associated with autosomal recessive hyperekplexia 3. This variant introduces a premature termination codon in exon 7 out of 16 and is expected to result in loss of function, which is a known disease mechanism for SLC6A5 in this disorder (PMID: 14622583, 16751771, 22700964) (PVS1). This variant has a 0.0011% maximum allele frequency in non-founder control populations (PM2) and it has not been reported in individuals with SLC6A5-related disorders in the databases available for review. Based on the current evidence, this variant is classified as likely pathogenic for autosomal recessive hyperekplexia 3.A

Labcorp Genetics (formerly Invitae), Labcorp
Classification: Pathogenic for Hyperekplexia 3. Last evaluated: 2025-08-08. Review status: criteria provided, single submitter. Criteria: Invitae Variant Classification Sherloc (09022015). Collection method: clinical testing. Allele origin: germline.
Comment: This sequence change creates a premature translational stop signal (p.Trp394*) in the SLC6A5 gene. It is expected to result in an absent or disrupted protein product. Loss-of-function variants in SLC6A5 are known to be pathogenic (PMID: 14622583, 16751771, 22700964). Information on the frequency of this variant in the gnomAD database is not available, as this variant may be reported differently in the database. This variant has not been reported in the literature in individuals affected with SLC6A5-related conditions. For these reasons, this variant has been classified as Pathogenic.

Literature cited by the submitters: PubMed 14622583 (cited by Variantyx, Inc. and Labcorp Genetics (formerly Invitae), Labcorp); PubMed 16751771 (cited by Variantyx, Inc. and Labcorp Genetics (formerly Invitae), Labcorp); PubMed 22700964 (cited by Variantyx, Inc. and Labcorp Genetics (formerly Invitae), Labcorp).